The following is an entry in ClinVar:

NM_030817.3(APOLD1):c.145_146delinsTA (p.Arg49Tyr)

Gene: APOLD1 (apolipoprotein L domain containing 1; plus strand). Cytogenetic location: 12p13.1.
Variant type: Indel.
Coding change: c.145_146delinsTA on transcript NM_030817.3 (MANE Select); coding-DNA positions 145 to 146, CG replaced by TA.
Protein change: p.Arg49Tyr; replaces arginine 49 with tyrosine.
Molecular consequence: missense variant.
Genome position (GRCh38, 1-based): chr12:12,787,050-12,787,051, CG replaced by TA. VCF-style: chr12-12787050-CG-TA. GRCh37 (hg19) VCF-style: chr12-12939984-CG-TA.
Other names: R49*; c.238_239delinsTA, p.Arg80Tyr (NM_001130415.2); short protein forms R80Y, R49Y.
Identifiers: ClinVar variation 2921298 (VCV002921298.3), dbSNP rs2497484682, ClinGen allele CA2740092335.
Genomic context (GRCh38, chr12:12,787,050, plus strand): 5'-GGCCGGCTGCACGGCCAGGTGCTGCGCCTGCGCGAGGTGGCCCGGCGCCTGGAGCGCCTG[CG>TA]CAGGCGCTCCCTCGTAGCCAACGTGGCCGGCAGCTCGCTGAGCGCAACGGGCGCCCTCGC-3'
Protein context (NP_110444.3, residues 39-59): REVARRLERL[Arg49Tyr]RRSLVANVAG

ClinVar aggregate classification (germline): no classifications from unflagged records (0 of 4 stars; one submission).

Conditions:
Bleeding disorder, vascular-type (BDVAS). Identifiers: MedGen C5935577, MONDO:0958229, OMIM 620715.

Submission:

OMIM
Classification: Pathogenic for BLEEDING DISORDER, VASCULAR-TYPE (1 family). Last evaluated: 2024-07-23. Review status: flagged submission. Collection method: literature only. Allele origin: germline.
ClinVar note: Notes: Flagging candidate with reason of insufficient supporting evidence. This gene has been classified as having a limited gene-disease relationship by a ClinGen Expert Panel.
ClinVar note: Reason: P/LP classification for a variant in a gene with insufficient evidence for a gene-disease relationship

Literature cited by the submitters: PubMed 35638551.